The following is an entry in ClinVar:

NM_032043.3(BRIP1):c.2716G>T (p.Glu906Ter)

Gene: BRIP1 (BRCA1 interacting DNA helicase 1; minus strand). Cytogenetic location: 17q23.2.
Variant type: single nucleotide variant.
Coding change: c.2716G>T on transcript NM_032043.3 (MANE Select); coding-DNA position 2716, G replaced by T.
Protein change: p.Glu906Ter; replaces glutamic acid 906 with a stop codon.
Molecular consequence: nonsense.
Genome position (GRCh38, 1-based): chr17:61,686,025, C>A on the plus strand (G>T on the coding strand, the complement: BRIP1 is on the minus strand). VCF-style: chr17-61686025-C-A. GRCh37 (hg19) VCF-style: chr17-59763386-C-A.
Other names: short protein forms E906*.
Identifiers: ClinVar variation 1076101 (VCV001076101.8), dbSNP rs759080195, ClinGen allele CA400481674.

ClinVar aggregate classification (germline): Pathogenic (1 of 4 stars; one submission).

Conditions:
Fanconi anemia complementation group J. Also called: BRIP1-Related Fanconi Anemia. Identifiers: Orphanet 84, MedGen C1836860, MONDO:0012187, OMIM 609054.
Familial cancer of breast. Also called: BREAST CANCER, FAMILIAL; hereditary breast carcinoma; Hereditary breast cancer. Identifiers: Orphanet 227535, MedGen C0346153, MONDO:0016419, OMIM 114480. Disease mechanism: loss of function.

Submission:

Labcorp Genetics (formerly Invitae), Labcorp
Classification: Pathogenic for Familial cancer of breast; Fanconi anemia complementation group J. Last evaluated: 2020-04-13. Review status: criteria provided, single submitter. Criteria: Invitae Variant Classification Sherloc (09022015). Collection method: clinical testing. Allele origin: germline.
Comment: This sequence change creates a premature translational stop signal (p.Glu906*) in the BRIP1 gene. It is expected to result in an absent or disrupted protein product. This variant is not present in population databases (ExAC no frequency). This variant has not been reported in the literature in individuals with BRIP1-related conditions. Loss-of-function variants in BRIP1 are known to be pathogenic (PMID: 16116423, 17033622, 21964575). For these reasons, this variant has been classified as Pathogenic.

Literature cited by the submitters: PubMed 16116423; PubMed 17033622; PubMed 21964575.